The following is an entry in ClinVar:

ClinVar aggregate classification (germline): Conflicting classifications of pathogenicity. Review status: criteria provided, conflicting classifications (1 of 4 stars). 2 submissions from 2 submitters: Uncertain significance (1); Likely benign (1). Last evaluated 2023-10-23.

gnomAD v4.1: 223 of 1,614,010 alleles (0.014%); highest among the groups gnomAD compares: South Asian, 0.07%; 1 homozygote.

Submissions (2):

GeneDx
Classification: Uncertain significance. Last evaluated: 2023-10-23. Review status: criteria provided, single submitter. Criteria: GeneDx Variant Classification Process June 2021. Collection method: clinical testing. Allele origin: germline. Affected: yes.
Comment: In silico analysis supports that this missense variant has a deleterious effect on protein structure/function; Identified in the heterozygous state in an individual with persistent ductus arteriosus, secondary atrial septic defect, and persistent foramen ovale (PMID: 34823266); This variant is associated with the following publications: (PMID: 34823266)

Blueprint Genetics
Classification: Likely benign. Last evaluated: 2023-07-03. Review status: criteria provided, single submitter. Criteria: ACMG Guidelines, 2015. Collection method: clinical testing. Allele origin: germline.

NM_001256071.3(RNF213):c.7475C>T (p.Thr2492Met)

Gene: RNF213 (ring finger protein 213; plus strand). Cytogenetic location: 17q25.3.
Variant type: single nucleotide variant.
Coding change: c.7475C>T on transcript NM_001256071.3 (MANE Select); coding-DNA position 7475, C replaced by T.
Protein change: p.Thr2492Met; replaces threonine 2492 with methionine.
Molecular consequence: missense variant.
Genome position (GRCh38, 1-based): chr17:80,345,810, C>T. VCF-style: chr17-80345810-C-T. GRCh37 (hg19) VCF-style: chr17-78319610-C-T.
Other names: c.7622C>T, p.Thr2541Met (NM_001410195.1, NM_020914.5); short protein forms T2492M, T2541M.
Identifiers: ClinVar variation 3366115 (VCV003366115.2).